The following is an entry in ClinVar:

ClinVar aggregate classification (germline): Uncertain significance (1 of 4 stars; one submission).

Submission:

GeneDx
Classification: Uncertain significance. Last evaluated: 2021-02-01. Review status: criteria provided, single submitter. Criteria: GeneDx Variant Classification Process June 2021. Collection method: clinical testing. Allele origin: germline. Affected: yes.
Comment: Not observed in large population cohorts (Lek et al., 2016); In silico analysis, which includes protein predictors and evolutionary conservation, supports a deleterious effect; Has not been previously published as pathogenic or benign to our knowledge

NM_001379110.1(SLC9A6):c.420A>G (p.Ile140Met)

Gene: SLC9A6 (solute carrier family 9 member A6; plus strand). Cytogenetic location: Xq26.3.
Variant type: single nucleotide variant.
Coding change: c.420A>G on transcript NM_001379110.1 (MANE Select); coding-DNA position 420, A replaced by G.
Protein change: p.Ile140Met; replaces isoleucine 140 with methionine.
Molecular consequence: missense variant.
Genome position (GRCh38, 1-based): chrX:135,998,158, A>G. VCF-style: chrX-135998158-A-G. GRCh37 (hg19) VCF-style: chrX-135080317-A-G.
Other names: c.576A>G, p.Ile192Met (NM_001042537.2); c.420A>G, p.Ile140Met (NM_001177651.2); c.324A>G, p.Ile108Met (NM_001330652.2); c.480A>G, p.Ile160Met (NM_006359.3); short protein forms I108M, I140M, I160M, I192M.
Identifiers: ClinVar variation 1308890 (VCV001308890.2), dbSNP rs1556616830, ClinGen allele CA414749806.